The following is an entry in ClinVar:

ClinVar aggregate classification (germline): Conflicting classifications of pathogenicity. Review status: criteria provided, conflicting classifications (1 of 4 stars). 3 submissions from 3 submitters: Uncertain significance (1); Likely benign (2). Last evaluated 2026-05-01.

Conditions:
STAT4-related disorder. Also called: STAT4-related condition.

Allele frequency attached by ClinVar (database versions not stated): 1000 Genomes Project 30x 0.00016; 1000 Genomes Project 0.00020; TOPMed 0.00044; gnomAD exomes 0.00067 and 0.00094; ExAC 0.00070; gnomAD 0.00076 and 0.00080; ESP Exome Variant Server 0.00085.
gnomAD v4.1: 1,468 of 1,614,044 alleles (0.091%); highest among the groups gnomAD compares: Non-Finnish European, 0.11%; no homozygotes.

Submissions (3):

CeGaT Center for Human Genetics Tuebingen
Classification: Likely benign. Last evaluated: 2026-05-01. Review status: criteria provided, single submitter. Criteria: CeGaT Center For Human Genetics Tuebingen Variant Classification Criteria Version 2. Collection method: clinical testing. Allele origin: germline. Affected: yes. Observed: 6 variant alleles.
Comment: STAT4: PP2, BS1

Labcorp Genetics (formerly Invitae), Labcorp
Classification: Likely benign. Last evaluated: 2026-01-19. Review status: criteria provided, single submitter. Criteria: Invitae Variant Classification Sherloc (09022015). Collection method: clinical testing. Allele origin: germline.

PreventionGenetics, part of Exact Sciences
Classification: Uncertain significance for STAT4-related condition. Last evaluated: 2022-12-29. Review status: criteria provided, single submitter. Criteria: ACMG Guidelines, 2015. Collection method: clinical testing. Allele origin: germline.
Comment: The STAT4 c.1337C>T variant is predicted to result in the amino acid substitution p.Thr446Ile. This variant was reported to segregate with classic Kaposi sarcoma in a family with five affected individuals (Figure 1, Aavikko et al. 2015. PubMed ID: 25492914). Of note, only three affected family members were available for genetic testing. Additional, unaffected family members were also screened for the c.1337C>T variant and were not carriers. Functional testing showed that the three c.1337C>T variant carriers displayed attenuated interferon γ (IFN-γ) production (Aavikko et al. 2015. PubMed ID: 25492914). This variant is reported in 0.12% of alleles in individuals of European (Non-Finnish) descent in gnomAD, which may be too high to be causative of disease. While this variant may be benign, at this time, its clinical significance is uncertain due to the absence of conclusive functional and genetic evidence.

NM_003151.4(STAT4):c.1337C>T (p.Thr446Ile)

Gene: STAT4 (signal transducer and activator of transcription 4; minus strand). Cytogenetic location: 2q32.2.
Variant type: single nucleotide variant.
Coding change: c.1337C>T on transcript NM_003151.4 (MANE Select); coding-DNA position 1337, C replaced by T.
Protein change: p.Thr446Ile; replaces threonine 446 with isoleucine.
Molecular consequence: missense variant.
Genome position (GRCh38, 1-based): chr2:191,039,296, G>A on the plus strand (C>T on the coding strand, the complement: STAT4 is on the minus strand). VCF-style: chr2-191039296-G-A. GRCh37 (hg19) VCF-style: chr2-191904022-G-A.
Other names: c.1337C>T, p.Thr446Ile (NM_001243835.2); c.1337C>T (NM_003151.3); short protein forms T446I.
Identifiers: ClinVar variation 1423453 (VCV001423453.30), dbSNP rs141331848, ClinGen allele CA2030605.
Genomic context (GRCh38, chr2:191,039,296, plus strand): 5'-GATGCCCAAGCATTAGGTAACTGACTGACATTGGAAATCATCACCACAGGCAATGAGCTG[G>A]TCTGGTTTGGGGGGAAAAAAGCATAGTTATTACAGGTAGTCCCACCTTACATTGATCTTA-3'
Protein context (NP_003142.1, residues 436-456): CLYGLTIDLE[Thr446Ile]SSLPVVMISN